The following is an entry in ClinVar:

NM_006206.6(PDGFRA):c.1632C>T (p.Val544=)

Gene: PDGFRA (platelet derived growth factor receptor alpha; plus strand). Cytogenetic location: 4q12.
Variant type: single nucleotide variant.
Coding change: c.1632C>T on transcript NM_006206.6 (MANE Select); coding-DNA position 1632, C replaced by T.
Protein change: p.Val544=; no amino-acid change (valine 544 retained).
Molecular consequence: synonymous variant.
Genome position (GRCh38, 1-based): chr4:54,274,604, C>T. VCF-style: chr4-54274604-C-T. GRCh37 (hg19) VCF-style: chr4-55140771-C-T.
Other names: c.1632C>T, p.Val544= (NM_001347827.2, NM_001347829.2); c.1707C>T, p.Val569= (NM_001347828.2); c.1671C>T, p.Val557= (NM_001347830.2).
Identifiers: ClinVar variation 745404 (VCV000745404.13), dbSNP rs748519030, ClinGen allele CA2922629.

ClinVar aggregate classification (germline): Conflicting classifications of pathogenicity. Review status: criteria provided, conflicting classifications (1 of 4 stars). 3 submissions from 3 submitters: Uncertain significance (2); Likely benign (1). Last evaluated 2025-06-19.

Conditions:
Gastrointestinal stromal tumor. Also called: Gastrointestinal stromal tumor, somatic; Gastrointestinal stroma tumor. Identifiers: Orphanet 44890, MedGen C0238198, MeSH D046152, MONDO:0011719, OMIM 606764, HP:0100723.
Hereditary cancer-predisposing syndrome. Also called: Neoplastic Syndromes, Hereditary; Hereditary Cancer Syndrome; Hereditary neoplastic syndrome; Tumor predisposition. Identifiers: Orphanet 140162, MedGen C0027672, MeSH D009386, MONDO:0015356.

Allele frequency attached by ClinVar (database versions not stated): gnomAD exomes below 0.00001; ExAC 0.00001; gnomAD 0.00001; TOPMed 0.00002.
gnomAD v4.1: 11 of 1,613,040 alleles (0.00068%); highest among the groups gnomAD compares: African/African-American, 0.008%; no homozygotes.

Submissions (3):

Ambry Genetics
Classification: Uncertain significance for Hereditary cancer-predisposing syndrome. Last evaluated: 2025-06-19. Review status: criteria provided, single submitter. Criteria: Ambry Variant Classification Scheme 2023. Collection method: clinical testing. Allele origin: germline.
Comment: The c.1632C>T variant (also known as p.V544V), located in coding exon 10 of the PDGFRA gene, results from a C to T substitution at nucleotide position 1632. This nucleotide substitution does not change the amino acid at codon 544. This nucleotide position is well conserved in available vertebrate species. In silico splice site analysis predicts that this alteration may weaken the native splice donor site. Based on the available evidence, the clinical significance of this variant remains unclear.

GeneDx
Classification: Uncertain significance. Last evaluated: 2024-07-10. Review status: criteria provided, single submitter. Criteria: GeneDx Variant Classification Process June 2021. Collection method: clinical testing. Allele origin: germline. Affected: yes.
Comment: Not observed at significant frequency in large population cohorts (gnomAD); In silico analysis indicates that this variant does not alter splicing; Has not been previously published as pathogenic or benign to our knowledge

Labcorp Genetics (formerly Invitae), Labcorp
Classification: Likely benign for Gastrointestinal stromal tumor. Last evaluated: 2024-01-03. Review status: criteria provided, single submitter. Criteria: Invitae Variant Classification Sherloc (09022015). Collection method: clinical testing. Allele origin: germline.